The following is an entry in ClinVar:

NM_022367.4(SEMA4A):c.761T>C (p.Phe254Ser)

Gene: SEMA4A (semaphorin 4A; plus strand). Cytogenetic location: 1q22.
Variant type: single nucleotide variant.
Coding change: c.761T>C on transcript NM_022367.4 (MANE Select); coding-DNA position 761, T replaced by C.
Protein change: p.Phe254Ser; replaces phenylalanine 254 with serine.
Molecular consequence: missense variant.
Genome position (GRCh38, 1-based): chr1:156,160,980, T>C. VCF-style: chr1-156160980-T-C. GRCh37 (hg19) VCF-style: chr1-156130771-T-C.
Other names: c.761T>C, p.Phe254Ser (NM_001193300.2, NM_001193301.2, NM_001370567.1); c.365T>C, p.Phe122Ser (NM_001193302.2); c.464T>C, p.Phe155Ser (NM_001370568.1); c.254T>C, p.Phe85Ser (NM_001370569.1, NM_001370571.1); c.761T>C (NM_022367.3); short protein forms F122S, F155S, F254S, F85S.
Identifiers: ClinVar variation 1487479 (VCV001487479.8), dbSNP rs777268671, ClinGen allele CA1155138.

ClinVar aggregate classification (germline): Uncertain significance. Review status: criteria provided, multiple submitters, no conflicts (2 of 4 stars). 2 submissions from 2 submitters: Uncertain significance (2). Last evaluated 2025-08-28.

Allele frequency attached by ClinVar (database versions not stated): TOPMed below 0.00001; gnomAD exomes 0.00001; ExAC 0.00002; gnomAD 0.00002.
gnomAD v4.1: 6 of 1,608,160 alleles (0.00037%); highest among the groups gnomAD compares: African/African-American, 0.0054%; no homozygotes.

Submissions (2):

Ambry Genetics
Classification: Uncertain significance. Last evaluated: 2025-08-28. Review status: criteria provided, single submitter. Criteria: Ambry Variant Classification Scheme 2023. Collection method: clinical testing. Allele origin: germline.

Labcorp Genetics (formerly Invitae), Labcorp
Classification: Uncertain significance. Last evaluated: 2023-12-01. Review status: criteria provided, single submitter. Criteria: Invitae Variant Classification Sherloc (09022015). Collection method: clinical testing. Allele origin: germline.
Comment: This sequence change replaces phenylalanine, which is neutral and non-polar, with serine, which is neutral and polar, at codon 254 of the SEMA4A protein (p.Phe254Ser). This variant is present in population databases (rs777268671, gnomAD 0.01%). This variant has not been reported in the literature in individuals affected with SEMA4A-related conditions. ClinVar contains an entry for this variant (Variation ID: 1487479). Advanced modeling of protein sequence and biophysical properties (such as structural, functional, and spatial information, amino acid conservation, physicochemical variation, residue mobility, and thermodynamic stability) performed at Invitae indicates that this missense variant is not expected to disrupt SEMA4A protein function with a negative predictive value of 80%. In summary, the available evidence is currently insufficient to determine the role of this variant in disease. Therefore, it has been classified as a Variant of Uncertain Significance.